The following is an entry in ClinVar:

ClinVar aggregate classification (germline): Likely benign (1 of 4 stars; one submission).

Conditions:
Familial cancer of breast. Also called: Hereditary breast cancer; BREAST CANCER, FAMILIAL; hereditary breast carcinoma. Identifiers: Orphanet 227535, MedGen C0346153, MONDO:0016419, OMIM 114480. Disease mechanism: loss of function.

Submission:

Myriad Genetics, Inc.
Classification: Likely benign for Familial cancer of breast. Last evaluated: 2024-10-04. Review status: criteria provided, single submitter. Criteria: Myriad Autosomal Dominant, Autosomal Recessive and X-Linked Classification Criteria (2023). Collection method: clinical testing. Allele origin: unknown.
Comment: This variant is considered likely benign. This variant is intronic and is not expected to impact mRNA splicing.

NM_007194.4(CHEK2):c.1009-6G>T

Gene: CHEK2 (checkpoint kinase 2; minus strand). Cytogenetic location: 22q12.1.
Variant type: single nucleotide variant.
Coding change: c.1009-6G>T on transcript NM_007194.4 (MANE Select); 6 bases into the intron before coding-DNA position 1009, G replaced by T.
Molecular consequence: intron variant.
Genome position (GRCh38, 1-based): chr22:28,696,993, C>A on the plus strand (G>T on the coding strand, the complement: CHEK2 is on the minus strand). VCF-style: chr22-28696993-C-A. GRCh37 (hg19) VCF-style: chr22-29092981-C-A.
Other names: c.346-6G>T (NM_001437942.1, NM_001257387.3); c.808-6G>T (NM_001349956.3); c.1009-1120G>T (NM_145862.3); c.1102-1120G>T (NM_001438295.1); c.1102-6G>T (NM_001438293.1); c.1138-1120G>T (NM_001438294.1); c.1138-6G>T (NM_001005735.3).
Identifiers: ClinVar variation 3773580 (VCV003773580.1).